The following is an entry in ClinVar:

ClinVar aggregate classification (germline): Likely pathogenic (1 of 4 stars; one submission).

Conditions:
Primary ciliary dyskinesia. Also called: Ciliary dyskinesia. Identifiers: Orphanet 244, MedGen C0008780, MONDO:0016575, HP:0012265.

Allele frequency attached by ClinVar (database versions not stated): TOPMed below 0.00001.

Submission:

Labcorp Genetics (formerly Invitae), Labcorp
Classification: Likely pathogenic for Primary ciliary dyskinesia. Last evaluated: 2021-04-10. Review status: criteria provided, single submitter. Criteria: Invitae Variant Classification Sherloc (09022015). Collection method: clinical testing. Allele origin: germline.
Comment: In summary, the currently available evidence indicates that the variant is pathogenic, but additional data are needed to prove that conclusively. Therefore, this variant has been classified as Likely Pathogenic. Algorithms developed to predict the effect of sequence changes on RNA splicing suggest that this variant may disrupt the consensus splice site, but this prediction has not been confirmed by published transcriptional studies. This variant has not been reported in the literature in individuals with DNAH5-related conditions. This variant is not present in population databases (ExAC no frequency). This sequence change affects an acceptor splice site in intron 56 of the DNAH5 gene. It is expected to disrupt RNA splicing. Variants that disrupt the donor or acceptor splice site typically lead to a loss of protein function (PMID: 16199547), and loss-of-function variants in DNAH5 are known to be pathogenic (PMID: 11788826, 16627867).

Literature cited by the submitters: PubMed 16199547; PubMed 11788826; PubMed 16627867.

NM_001369.3(DNAH5):c.9606-2A>G

Gene: DNAH5 (dynein axonemal heavy chain 5; minus strand). Cytogenetic location: 5p15.2.
Variant type: single nucleotide variant.
Coding change: c.9606-2A>G on transcript NM_001369.3 (MANE Select); the canonical splice acceptor site of the intron before coding-DNA position 9606, A replaced by G.
Molecular consequence: splice acceptor variant.
Genome position (GRCh38, 1-based): chr5:13,769,617, T>C on the plus strand (A>G on the coding strand, the complement: DNAH5 is on the minus strand). VCF-style: chr5-13769617-T-C. GRCh37 (hg19) VCF-style: chr5-13769726-T-C.
Identifiers: ClinVar variation 1498621 (VCV001498621.8), dbSNP rs755550738, ClinGen allele CA359203387.
Genomic context (GRCh38, chr5:13,769,617, plus strand): 5'-TACTCAAGGCTGCAACAGACTCTGAAGCTTCTTTGAGCTTTTCCAATCCAGTATTCATTC[T>C]GGGATTGAAAATCCAAGCAAGCAATGTTAAAATGTGTAGGACTTGGATGCAATTCTCAAG-3'